The following is an entry in ClinVar:

ClinVar aggregate classification (germline): Likely pathogenic (1 of 4 stars; one submission).

Conditions:
Retinal dystrophy. Also called: Inherited retinal dystrophy. Identifiers: Orphanet 71862, MedGen C0854723, MeSH D058499, MONDO:0019118, HP:0000556.

gnomAD v4.1: 2 of 1,612,140 alleles (0.00012%); highest among the groups gnomAD compares: Non-Finnish European, 0.00017%; no homozygotes.

Submission:

Ophthalmic Genetics Group, Institute of Molecular and Clinical Ophthalmology Basel
Classification: Likely pathogenic for Retinal dystrophy. Last evaluated: 2024-05-27. Review status: criteria provided, single submitter. Criteria: ACMG Guidelines, 2015. Collection method: research. Allele origin: germline. Affected: yes. Observed: 1 variant allele.
Comment: This variant was classified as Likely pathogenic based on ACMG criteria: PVS1_strong and PM2_mod

Literature cited by the submitters: PubMed 40180963.

NM_006343.3(MERTK):c.1787-2A>G

Gene: MERTK (MER proto-oncogene, tyrosine kinase; plus strand). Cytogenetic location: 2q13.
Variant type: single nucleotide variant.
Coding change: c.1787-2A>G on transcript NM_006343.3 (MANE Select); the canonical splice acceptor site of the intron before coding-DNA position 1787, A replaced by G.
Molecular consequence: splice acceptor variant.
Genome position (GRCh38, 1-based): chr2:112,003,902, A>G. VCF-style: chr2-112003902-A-G. GRCh37 (hg19) VCF-style: chr2-112761479-A-G.
Other names: NC_000002.11:g.112761479A>G; NP_006334.2:p.?.
Identifiers: ClinVar variation 3381806 (VCV003381806.2).